The following is an entry in ClinVar:

ClinVar aggregate classification (germline): Conflicting classifications of pathogenicity. Review status: criteria provided, conflicting classifications (1 of 4 stars). 10 submissions from 10 submitters: Uncertain significance (6); Benign (1); Likely benign (2). 1 of the submissions does not count toward it. Last evaluated 2026-06-15.

Conditions:
von Willebrand disease type 3 (VWD3). Also called: Type 3 Von Willebrand's disease; Type 3 VWD; Von Willebrand disease, severe form; V WD3; VON WILLEBRAND DISEASE, TYPE III. Identifiers: Orphanet 166096, MedGen C1264041, MONDO:0010191, OMIM 277480.

Submissions (10):

Women's Health and Genetics/Laboratory Corporation of America, LabCorp
Classification: Likely benign. Last evaluated: 2026-06-15. Review status: criteria provided, single submitter. Criteria: LabCorp Variant Classification Summary - May 2015. Collection method: clinical testing. Allele origin: germline.
Comment: Variant summary: VWF c.3101_3103delCCA (p.Thr1034del) results in an in-frame deletion that is predicted to remove one amino acids from the encoded protein. The variant allele was found at a frequency of 0.0012 in 251670 control chromosomes, predominantly at a frequency of 0.015 within the African or African-American subpopulation in the gnomAD database, including 2 homozygotes. The observed variant frequency within African or African-American control individuals in the gnomAD database exceeds the estimated maximal expected allele frequency for disease-causing variants in VWF. c.3101_3103delCCA has been reported in individuals affected with bleeding disorders including Von Willebrand Disease, one of whom also carried two pathogenic VWF variants, as well as unaffected controls (Baz_2021, Bellissimo_2012, Kakela_2006, Manderstedt_2019, Sadler_2021, Machi_2024). These report(s) do not provide unequivocal conclusions about association of the variant with Von Willebrand Disease. At least one publication reports experimental evidence that this variant did not interfere with VWF biosynthesis nor its secretion, when co-expressed with wt. VWF, but severely impairs VWF: GPIB-binding and VWF:CB (Machi_2024). The following publications have been ascertained in the context of this evaluation (PMID: 34272389, 22197721, 16321553, 31352677, 38308883, 33556167). ClinVar contains an entry for this variant (Variation ID: 802812). Based on the evidence outlined above, the variant was classified as likely benign.

CeGaT Center for Human Genetics Tuebingen
Classification: Benign. Last evaluated: 2025-12-01. Review status: criteria provided, single submitter. Criteria: CeGaT Center For Human Genetics Tuebingen Variant Classification Criteria Version 2. Collection method: clinical testing. Allele origin: germline. Affected: yes. Observed: 3 variant alleles.
Comment: VWF: BS1, BS2

Quest Diagnostics Nichols Institute San Juan Capistrano
Classification: Likely benign. Last evaluated: 2025-07-07. Review status: criteria provided, single submitter. Criteria: Quest Diagnostics criteria. Collection method: clinical testing. Allele origin: unknown.

ARUP Laboratories, Molecular Genetics and Genomics, ARUP Laboratories
Classification: Uncertain significance. Last evaluated: 2025-03-14. Review status: criteria provided, single submitter. Criteria: ARUP Molecular Germline Variant Investigation Process 2024. Collection method: clinical testing. Allele origin: germline.
Comment: The VWF c.3101_3103del; p.Thr1034del variant (rs368366214, ClinVar Variation ID: 802812) is reported in the literature in individuals affected with von Willebrand disease (VWD), but also in healthy controls (Baronciani 2021, Bellissimo 2012, Kakela 2006, Pagliari 2021, Sadler 2021). This variant has been observed in the homozygous or compound heterozygous state in several individuals with type 3 VWD (Baronciani 2021), and in one heterozygous individual with VWD type 2M (Kakela 2006). Additionally, this variant was found in one individual with VWD type 3 that carried two nonsense variants that likely explain the observed phenotype (Marchi 2024). This variant is found in the African population with an allele frequency of 1.5% (380/24964 alleles, including three homozygotes) in the Genome Aggregation Database (v2.1.1). Functional analyses of the variant protein expressed in HEK293 cells demonstrate loss of high molecular weight markers (Marchi 2024). This variant deletes a single threonine residue, leaving the rest of the protein in-frame. Due to conflicting information, the clinical significance of the p.Thr1034del variant is uncertain at this time. References: Baronciani L et al. Genotypes of European and Iranian patients with type 3 von Willebrand disease enrolled in 3WINTERS-IPS. Blood Adv. 2021 Aug 10;5(15):2987-3001. PMID: 34351388. Bellissimo DB et al. VWF mutations and new sequence variations identified in healthy controls are more frequent in the African-American population. Blood. 2012 Mar 1;119(9):2135-40. PMID: 22197721. Kakela JK et al. Genetic mutations in von Willebrand disease identified by DHPLC and DNA sequence analysis. Mol Genet Metab. 2006 Mar;87(3):262-71. PMID: 16321553. Marchi R et al. The search for the underlying mutations causing VWD in 13 Venezuelan families. Thromb Res. 2024 Mar;235:88-91. PMID: 38308883. Pagliari MT et al. Role of ADAMTS13, VWF and F8 genes in deep vein thrombosis. PLoS One. 2021 Oct 18;16(10):e0258675. PMID: 34662354. Sadler B et al. von Willebrand factor antigen levels are associated with burden of rare nonsynonymous variants in the VWF gene. Blood. 2021 Jun 10;137(23):3277-3283. PMID: 33556167.

Blueprint Genetics
Classification: Uncertain significance. Last evaluated: 2024-11-25. Review status: criteria provided, single submitter. Criteria: ACMG Guidelines, 2015. Collection method: clinical testing. Allele origin: germline.

Mayo Clinic Laboratories, Mayo Clinic
Classification: Uncertain significance. Last evaluated: 2022-03-03. Review status: criteria provided, single submitter. Criteria: ACMG Guidelines, 2015. Collection method: clinical testing. Allele origin: germline. Observed: 1 variant allele.
Comment: BS1, BS2, PM4

Mendelics
Classification: Uncertain significance for von Willebrand disease type 3. Last evaluated: 2019-05-28. Review status: criteria provided, single submitter. Criteria: Mendelics Assertion Criteria 2017. Collection method: clinical testing. Allele origin: unknown.

Breakthrough Genomics
Classification: Uncertain significance. Review status: criteria provided, single submitter. Criteria: ACMG Guidelines, 2015. Collection method: not provided. Allele origin: germline. Inheritance: Autosomal recessive inheritance. Affected: yes.

ISTH-SSC Genomics in Thrombosis and Hemostasis, KU Leuven, Center for Molecular and Vascular Biology
Classification: Uncertain significance for von Willebrand disease type 3. Review status: criteria provided, single submitter. Criteria: ACMG Guidelines, 2015. Collection method: clinical testing. Allele origin: germline. Affected: yes. Observed: 1 compound heterozygote.
Comment: Submitted to the GoldVariant database by Dr Marie-Christine Morel-Kopp; Northern Blood Research Centre, Sydney, Australia

Angelo Bianchi Bonomi Hemophilia and Thrombosis Center, Fondazione IRCCS Ca Granda Ospedale Maggiore Policlinico
Classification: Benign for von Willebrand disease type 3. Last evaluated: 2021-04-12. Review status: no assertion criteria provided. Collection method: clinical testing. Allele origin: germline. Affected: yes. Study: Type 3 Von Willebrand International Registries Inhibitor Prospective Study (3WINTERS-IPS). Not counted in ClinVar's aggregate classification.

Literature cited by the submitters: PubMed 33556167 (cited by Women's Health and Genetics/Laboratory Corporation of America, LabCorp); PubMed 16321553 (cited by Women's Health and Genetics/Laboratory Corporation of America, LabCorp and Quest Diagnostics Nichols Institute San Juan Capistrano); PubMed 22197721 (cited by Women's Health and Genetics/Laboratory Corporation of America, LabCorp and Quest Diagnostics Nichols Institute San Juan Capistrano); PubMed 34272389 (cited by Women's Health and Genetics/Laboratory Corporation of America, LabCorp); PubMed 31352677 (cited by Women's Health and Genetics/Laboratory Corporation of America, LabCorp and Quest Diagnostics Nichols Institute San Juan Capistrano); PubMed 38308883 (cited by Women's Health and Genetics/Laboratory Corporation of America, LabCorp and Quest Diagnostics Nichols Institute San Juan Capistrano); PubMed 34662354 (cited by Quest Diagnostics Nichols Institute San Juan Capistrano); PubMed 34351388 (cited by Quest Diagnostics Nichols Institute San Juan Capistrano); PubMed 37845247 (cited by Quest Diagnostics Nichols Institute San Juan Capistrano); PubMed 37647632 (cited by Quest Diagnostics Nichols Institute San Juan Capistrano).

NM_000552.5(VWF):c.3101_3103del (p.Thr1034del)

Gene: VWF (von Willebrand factor; minus strand). Cytogenetic location: 12p13.31.
Variant type: Deletion.
Coding change: c.3101_3103del on transcript NM_000552.5 (MANE Select); coding-DNA positions 3101 to 3103, 3 bases deleted (CCA; older notation c.3101_3103delCCA).
Protein change: p.Thr1034del; deletes threonine 1034.
Molecular consequence: inframe deletion.
Genome position (GRCh38, 1-based): chr12:6,025,911-6,025,913, TGG deleted on the plus strand (CCA on the coding strand, the reverse complement: VWF is on the minus strand); deleting any 3 consecutive bases within chr12:6,025,911-6,025,915 gives the same sequence; the c. name uses the placement nearest the transcript's 3' end. VCF-style (leftmost placement, unchanged base first): chr12-6025910-CTGG-C. GRCh37 (hg19) VCF-style: chr12-6135076-CTGG-C.
Other names: p.Thr1034del; c.3101_3103delCCA (NM_000552.3, NM_000552.4, NM_000552.5); short protein forms T1034del.
Identifiers: ClinVar variation 802812 (VCV000802812.43), dbSNP rs368366214, ClinGen allele CA6402852.